The following is an entry in ClinVar:

NM_000264.5(PTCH1):c.742dup (p.Leu248fs)

Gene: PTCH1 (patched 1; minus strand). Cytogenetic location: 9q22.32.
Variant type: Duplication.
Coding change: c.742dup on transcript NM_000264.5 (MANE Select); coding-DNA position 742, one base duplicated (C; older notation c.742dupC).
Protein change: p.Leu248fs; shifts the reading frame from leucine 248.
Molecular consequence: frameshift variant. On other transcripts: non-coding transcript variant (1).
Genome position (GRCh38, 1-based): chr9:95,481,953, G duplicated on the plus strand (C on the coding strand, the reverse complement: PTCH1 is on the minus strand); the first of 2 consecutive G bases (chr9:95,481,953-95,481,954); duplicating either gives the same sequence. VCF-style (leftmost placement, unchanged base first): chr9-95481952-A-AG. GRCh37 (hg19) VCF-style: chr9-98244234-A-AG.
Other names: c.544dup, p.Leu182fs (NM_001083602.3, NM_001354919.2); c.739dup, p.Leu247fs (NM_001083603.3); c.289dup, p.Leu97fs (NM_001083604.3, NM_001083605.3, NM_001083606.3 and 1 more transcripts); c.742dup, p.Leu248fs (NM_001354918.2); short protein forms L182fs, L247fs, L248fs, L97fs.
Identifiers: ClinVar variation 2765029 (VCV002765029.3), dbSNP rs2538244446, ClinGen allele CA2697557895.

ClinVar aggregate classification (germline): Pathogenic (1 of 4 stars; one submission).

Conditions:
Gorlin syndrome. Also called: Nevoid Basal Cell Carcinoma Syndrome; Basal cell nevus syndrome. Identifiers: Orphanet 377, MedGen C0004779, MONDO:0007187.

Submission:

Labcorp Genetics (formerly Invitae), Labcorp
Classification: Pathogenic for Gorlin syndrome. Last evaluated: 2023-10-04. Review status: criteria provided, single submitter. Criteria: Invitae Variant Classification Sherloc (09022015). Collection method: clinical testing. Allele origin: germline.
Comment: This sequence change creates a premature translational stop signal (p.Leu248Profs*4) in the PTCH1 gene. It is expected to result in an absent or disrupted protein product. Loss-of-function variants in PTCH1 are known to be pathogenic (PMID: 16301862, 16419085). This variant is not present in population databases (gnomAD no frequency). This variant has not been reported in the literature in individuals affected with PTCH1-related conditions. For these reasons, this variant has been classified as Pathogenic.

Literature cited by the submitters: PubMed 16301862; PubMed 16419085.